The following is an entry in ClinVar:

ClinVar aggregate classification (germline): Uncertain significance (1 of 4 stars; one submission).

Conditions:
Encephalopathy, acute, infection-induced (herpes-specific), susceptibility to, 6. Also called: Herpes simplex encephalitis, susceptibility to, 4. Identifiers: Orphanet 1930, MedGen C3553869, MONDO:0013921, OMIM 614850.

Allele frequency attached by ClinVar (database versions not stated): gnomAD 0.00001; TOPMed below 0.00001; gnomAD exomes 0.00002; ExAC 0.00003.
gnomAD v4.1: 13 of 1,612,032 alleles (0.00081%); highest among the groups gnomAD compares: Non-Finnish European, 0.0011%; no homozygotes.

Submission:

Labcorp Genetics (formerly Invitae), Labcorp
Classification: Uncertain significance for Encephalopathy, acute, infection-induced (herpes-specific), susceptibility to, 6. Last evaluated: 2025-04-14. Review status: criteria provided, single submitter. Criteria: Invitae Variant Classification Sherloc (09022015). Collection method: clinical testing. Allele origin: germline.
Comment: This sequence change replaces proline, which is neutral and non-polar, with arginine, which is basic and polar, at codon 365 of the TICAM1 protein (p.Pro365Arg). This variant is present in population databases (rs767013628, gnomAD 0.004%). This variant has not been reported in the literature in individuals affected with TICAM1-related conditions. ClinVar contains an entry for this variant (Variation ID: 1383518). An algorithm developed to predict the effect of missense changes on protein structure and function (PolyPhen-2) suggests that this variant is likely to be tolerated. In summary, the available evidence is currently insufficient to determine the role of this variant in disease. Therefore, it has been classified as a Variant of Uncertain Significance.

NM_182919.4(TICAM1):c.1094C>G (p.Pro365Arg)

Gene: TICAM1 (TIR domain containing adaptor molecule 1; minus strand). Cytogenetic location: 19p13.3.
Variant type: single nucleotide variant.
Coding change: c.1094C>G on transcript NM_182919.4 (MANE Select); coding-DNA position 1094, C replaced by G.
Protein change: p.Pro365Arg; replaces proline 365 with arginine.
Molecular consequence: missense variant.
Genome position (GRCh38, 1-based): chr19:4,817,284, G>C on the plus strand (C>G on the coding strand, the complement: TICAM1 is on the minus strand). VCF-style: chr19-4817284-G-C. GRCh37 (hg19) VCF-style: chr19-4817296-G-C.
Other names: c.1052C>G, p.Pro351Arg (NM_001385678.1); c.959C>G, p.Pro320Arg (NM_001385679.1); c.452C>G, p.Pro151Arg (NM_001385680.1); short protein forms P351R, P151R, P320R, P365R.
Identifiers: ClinVar variation 1383518 (VCV001383518.6), dbSNP rs767013628, ClinGen allele CA9105207.
Genomic context (GRCh38, chr19:4,817,284, plus strand): 5'-GAGGAAGGGAACAGGGAGGAGGGGGTCAGGTGAGCTGAACAAGGAGTAGATGAAGGAGGA[G>C]GAGGAGGAGGAGGAGGGGATGTTTCTGGGGTGGTGGGAGTAGGTGGGCACGGCTTGGTAT-3'
Protein context (NP_891549.1, residues 355-375): TPETSPPPPP[Pro365Arg]PPSSTPCSAH